The following is an entry in ClinVar:

NM_024642.5(GALNT12):c.124G>A (p.Gly42Arg)

Gene: GALNT12 (polypeptide N-acetylgalactosaminyltransferase 12; plus strand). Cytogenetic location: 9q22.33.
Variant type: single nucleotide variant.
Coding change: c.124G>A on transcript NM_024642.5 (MANE Select); coding-DNA position 124, G replaced by A.
Protein change: p.Gly42Arg; replaces glycine 42 with arginine.
Molecular consequence: missense variant.
Genome position (GRCh38, 1-based): chr9:98,807,822, G>A. VCF-style: chr9-98807822-G-A. GRCh37 (hg19) VCF-style: chr9-101570104-G-A.
Other names: short protein forms G42R.
Identifiers: ClinVar variation 3518467 (VCV003518467.1).
Genomic context (GRCh38, chr9:98,807,822, plus strand): 5'-TTGGTGCTCCTGGCGCTACTGGCGTTGGCCGGGCTGGGCTCGGTGCTGCGGGCGCAGCGT[G>A]GGGCCGGGGCCGGGGCTGCCGAGCCGGGACCCCCGCGCACCCCGCGCCCCGGGCGGCGCG-3'
Protein context (NP_078918.3, residues 32-52): GLGSVLRAQR[Gly42Arg]AGAGAAEPGP

ClinVar aggregate classification (germline): Uncertain significance (1 of 4 stars; one submission).

Submission:

Ambry Genetics
Classification: Uncertain significance. Last evaluated: 2024-11-22. Review status: criteria provided, single submitter. Criteria: Ambry Variant Classification Scheme 2023. Collection method: clinical testing. Allele origin: germline.
Comment: The p.G42R variant (also known as c.124G>A), located in coding exon 1 of the GALNT12 gene, results from a G to A substitution at nucleotide position 124. The glycine at codon 42 is replaced by arginine, an amino acid with dissimilar properties. This amino acid position is conserved. In addition, this alteration is predicted to be tolerated by in silico analysis. Based on the available evidence, the clinical significance of this variant remains unclear.